The following is an entry in ClinVar:

ClinVar aggregate classification (germline): Uncertain significance (1 of 4 stars; one submission).

Submission:

Ambry Genetics
Classification: Uncertain significance. Last evaluated: 2024-06-15. Review status: criteria provided, single submitter. Criteria: Ambry Variant Classification Scheme 2023. Collection method: clinical testing. Allele origin: germline.
Comment: The p.S279G variant (also known as c.835A>G), located in coding exon 1 of the PALLD gene, results from an A to G substitution at nucleotide position 835. The serine at codon 279 is replaced by glycine, an amino acid with similar properties. This amino acid position is conserved. In addition, this alteration is predicted to be tolerated by in silico analysis. Since supporting evidence is limited at this time, the clinical significance of this alteration remains unclear.

NM_001166108.2(PALLD):c.835A>G (p.Ser279Gly)

Gene: PALLD (palladin, cytoskeletal associated protein; plus strand). Cytogenetic location: 4q32.3.
Variant type: single nucleotide variant.
Coding change: c.835A>G on transcript NM_001166108.2 (MANE Select); coding-DNA position 835, A replaced by G.
Protein change: p.Ser279Gly; replaces serine 279 with glycine.
Molecular consequence: missense variant.
Genome position (GRCh38, 1-based): chr4:168,512,339, A>G. VCF-style: chr4-168512339-A-G. GRCh37 (hg19) VCF-style: chr4-169433490-A-G.
Other names: c.835A>G, p.Ser279Gly (NM_016081.4); short protein forms S279G.
Identifiers: ClinVar variation 1763066 (VCV001763066.3), dbSNP rs2531437264, ClinGen allele CA358728480.
Genomic context (GRCh38, chr4:168,512,339, plus strand): 5'-CCACAGCCCCACAGCGCCCTCCACTTCCCAGCTGCACCTCGATTCATCCAAAAGCTGAGG[A>G]GCCAAGAAGTAGCAGAAGGGAGCCGAGTTTATCTGGAGTGTAGAGTCACTGGAAACCCCA-3'
Protein context (NP_001159580.1, residues 269-289): AAPRFIQKLR[Ser279Gly]QEVAEGSRVY